The following is an entry in ClinVar:

NM_004006.3(DMD):c.5380C>T (p.Leu1794Phe)

Gene: DMD (dystrophin; minus strand). Cytogenetic location: Xp21.1.
Variant type: single nucleotide variant.
Coding change: c.5380C>T on transcript NM_004006.3 (MANE Select); coding-DNA position 5380, C replaced by T.
Protein change: p.Leu1794Phe; replaces leucine 1794 with phenylalanine.
Molecular consequence: missense variant.
Genome position (GRCh38, 1-based): chrX:32,348,474, G>A on the plus strand (C>T on the coding strand, the complement: DMD is on the minus strand). VCF-style: chrX-32348474-G-A. GRCh37 (hg19) VCF-style: chrX-32366591-G-A.
Other names: c.5356C>T, p.Leu1786Phe (NM_000109.4); c.5368C>T, p.Leu1790Phe (NM_004009.3); c.5011C>T, p.Leu1671Phe (NM_004010.3); c.1357C>T, p.Leu453Phe (NM_004011.4); c.1348C>T, p.Leu450Phe (NM_004012.4); short protein forms L1671F, L1794F, L450F, L453F, L1790F, L1786F.
Identifiers: ClinVar variation 4241392 (VCV004241392.1).

ClinVar aggregate classification (germline): Uncertain significance (1 of 4 stars; one submission).

Conditions:
Cardiovascular phenotype. Identifiers: MedGen CN230736.

Submission:

Ambry Genetics
Classification: Uncertain significance for Cardiovascular phenotype. Last evaluated: 2025-07-22. Review status: criteria provided, single submitter. Criteria: Ambry Variant Classification Scheme 2023. Collection method: clinical testing. Allele origin: germline.
Comment: The p.L1794F variant (also known as c.5380C>T), located in coding exon 38 of the DMD gene, results from a C to T substitution at nucleotide position 5380. The leucine at codon 1794 is replaced by phenylalanine, an amino acid with highly similar properties. This amino acid position is highly conserved in available vertebrate species. In addition, the in silico prediction for this alteration is inconclusive. Based on the available evidence, the clinical significance of this variant remains unclear.